The following is an entry in ClinVar:

ClinVar aggregate classification (germline): Uncertain significance (1 of 4 stars; one submission).

Conditions:
Epileptic encephalopathy. Identifiers: MedGen C0543888, HP:0200134.

Allele frequency attached by ClinVar (database versions not stated): gnomAD 0.00001; gnomAD exomes 0.00001; TOPMed 0.00001; ExAC 0.00002.
gnomAD v4.1: 4 of 1,613,756 alleles (0.00025%); highest among the groups gnomAD compares: Admixed American, 0.0067%; no homozygotes.

Submission:

Labcorp Genetics (formerly Invitae), Labcorp
Classification: Uncertain significance for Epileptic encephalopathy. Last evaluated: 2020-08-05. Review status: criteria provided, single submitter. Criteria: Invitae Variant Classification Sherloc (09022015). Collection method: clinical testing. Allele origin: germline.
Comment: In summary, the available evidence is currently insufficient to determine the role of this variant in disease. Therefore, it has been classified as a Variant of Uncertain Significance. Algorithms developed to predict the effect of missense changes on protein structure and function are either unavailable or do not agree on the potential impact of this missense change (SIFT: "Deleterious"; PolyPhen-2: "Probably Damaging"; Align-GVGD: "Class C0"). This variant has not been reported in the literature in individuals with RYR3-related conditions. This variant is present in population databases (rs776639416, ExAC 0.02%). This sequence change replaces phenylalanine with isoleucine at codon 3066 of the RYR3 protein (p.Phe3066Ile). The phenylalanine residue is highly conserved and there is a small physicochemical difference between phenylalanine and isoleucine.

NM_001036.6(RYR3):c.9196T>A (p.Phe3066Ile)

Gene: RYR3 (ryanodine receptor 3; plus strand). Cytogenetic location: 15q14.
Variant type: single nucleotide variant.
Coding change: c.9196T>A on transcript NM_001036.6 (MANE Select); coding-DNA position 9196, T replaced by A.
Protein change: p.Phe3066Ile; replaces phenylalanine 3066 with isoleucine.
Molecular consequence: missense variant.
Genome position (GRCh38, 1-based): chr15:33,780,269, T>A. VCF-style: chr15-33780269-T-A. GRCh37 (hg19) VCF-style: chr15-34072470-T-A.
Other names: c.9196T>A, p.Phe3066Ile (NM_001243996.4); short protein forms F3066I.
Identifiers: ClinVar variation 1004299 (VCV001004299.8), dbSNP rs776639416, ClinGen allele CA7460449.